The following is an entry in ClinVar:

NM_002291.3(LAMB1):c.2098C>A (p.Leu700Met)

Gene: LAMB1 (laminin subunit beta 1; minus strand). Cytogenetic location: 7q31.1.
Variant type: single nucleotide variant.
Coding change: c.2098C>A on transcript NM_002291.3 (MANE Select); coding-DNA position 2098, C replaced by A.
Protein change: p.Leu700Met; replaces leucine 700 with methionine.
Molecular consequence: missense variant.
Genome position (GRCh38, 1-based): chr7:107,961,217, G>T on the plus strand (C>A on the coding strand, the complement: LAMB1 is on the minus strand). VCF-style: chr7-107961217-G-T. GRCh37 (hg19) VCF-style: chr7-107601662-G-T.
Other names: short protein forms L700M.
Identifiers: ClinVar variation 2083753 (VCV002083753.4), dbSNP rs2033491198, ClinGen allele CA368869576.

ClinVar aggregate classification (germline): Uncertain significance (1 of 4 stars; one submission).

Submission:

Labcorp Genetics (formerly Invitae), Labcorp
Classification: Uncertain significance. Last evaluated: 2022-01-15. Review status: criteria provided, single submitter. Criteria: Invitae Variant Classification Sherloc (09022015). Collection method: clinical testing. Allele origin: germline.
Comment: In summary, the available evidence is currently insufficient to determine the role of this variant in disease. Therefore, it has been classified as a Variant of Uncertain Significance. Algorithms developed to predict the effect of missense changes on protein structure and function are either unavailable or do not agree on the potential impact of this missense change (SIFT: "Deleterious"; PolyPhen-2: "Possibly Damaging"; Align-GVGD: "Class C0"). This variant has not been reported in the literature in individuals affected with LAMB1-related conditions. This variant is not present in population databases (gnomAD no frequency). This sequence change replaces leucine, which is neutral and non-polar, with methionine, which is neutral and non-polar, at codon 700 of the LAMB1 protein (p.Leu700Met).